The following is an entry in ClinVar:

ClinVar aggregate classification (germline): Uncertain significance (1 of 4 stars; one submission).

Conditions:
Brugada syndrome 4 (BRGDA4). Identifiers: Orphanet 130, MedGen C2678477, MONDO:0012743, OMIM 611876.

Submission:

Labcorp Genetics (formerly Invitae), Labcorp
Classification: Uncertain significance for Brugada syndrome 4. Last evaluated: 2023-05-25. Review status: criteria provided, single submitter. Criteria: Invitae Variant Classification Sherloc (09022015). Collection method: clinical testing. Allele origin: germline.
Comment: This variant is not present in population databases (gnomAD no frequency). In summary, the available evidence is currently insufficient to determine the role of this variant in disease. Therefore, it has been classified as a Variant of Uncertain Significance. Experimental studies and prediction algorithms are not available or were not evaluated, and the functional significance of this variant is currently unknown. This variant has not been reported in the literature in individuals affected with CACNB2-related conditions. This variant, c.968_991del, results in the deletion of 8 amino acid(s) of the CACNB2 protein (p.Thr323_Leu330del), but otherwise preserves the integrity of the reading frame.

NM_201596.3(CACNB2):c.1130_1153del (p.Thr377_Leu384del)

Gene: CACNB2 (calcium voltage-gated channel auxiliary subunit beta 2; plus strand). Cytogenetic location: 10p12.31.
Variant type: Deletion.
Coding change: c.1130_1153del on transcript NM_201596.3 (MANE Select); coding-DNA positions 1130 to 1153, 24 bases deleted (CAATTAATCATCCAGCTCAACTCA).
Protein change: p.Thr377_Leu384del.
Molecular consequence: inframe deletion.
Genome position (GRCh38, 1-based): chr10:18,534,151-18,534,174, CAATTAATCATCCAGCTCAACTCA deleted; deleting any 24 consecutive bases within chr10:18,534,150-18,534,174 gives the same sequence; the c. name uses the placement nearest the transcript's 3' end. VCF-style (leftmost placement, unchanged base first): chr10-18534149-TACAATTAATCATCCAGCTCAACTC-T. GRCh37 (hg19) VCF-style: chr10-18823078-TACAATTAATCATCCAGCTCAACTC-T.
Other names: c.965_988del, p.Thr322_Leu329del (NM_000724.4); c.932_955del, p.Thr311_Leu318del (NM_001167945.2); c.851_874del, p.Thr284_Leu291del (NM_001330060.2); c.872_895del, p.Thr291_Leu298del (NM_001410882.1); c.986_1009del, p.Thr329_Leu336del (NM_201570.3); c.1046_1069del, p.Thr349_Leu356del (NM_201571.4); c.974_997del, p.Thr325_Leu332del (NM_201572.4); c.968_991del, p.Thr323_Leu330del (NM_201590.3); and 2 more.
Identifiers: ClinVar variation 2720016 (VCV002720016.3), dbSNP rs2494778396, ClinGen allele CA2697558286.